The following is an entry in ClinVar:

NM_000287.4(PEX6):c.2196C>G (p.Ser732Arg)

Gene: PEX6 (peroxisomal biogenesis factor 6; minus strand). Cytogenetic location: 6p21.1.
Variant type: single nucleotide variant.
Coding change: c.2196C>G on transcript NM_000287.4 (MANE Select); coding-DNA position 2196, C replaced by G.
Protein change: p.Ser732Arg; replaces serine 732 with arginine.
Molecular consequence: missense variant.
Genome position (GRCh38, 1-based): chr6:42,966,346, G>C on the plus strand (C>G on the coding strand, the complement: PEX6 is on the minus strand). VCF-style: chr6-42966346-G-C. GRCh37 (hg19) VCF-style: chr6-42934084-G-C.
Other names: c.1932C>G, p.Ser644Arg (NM_001316313.2); c.2196C>G (NM_000287.3); short protein forms S644R, S732R.
Identifiers: ClinVar variation 1354836 (VCV001354836.5), dbSNP rs1485203588, ClinGen allele CA364152304.

ClinVar aggregate classification (germline): Uncertain significance. Review status: criteria provided, multiple submitters, no conflicts (2 of 4 stars). 4 submissions from 4 submitters: Uncertain significance (4). Last evaluated 2024-11-22.

Conditions:
PEX6-related disorder. Also called: PEX6-related condition; PEX6-related disorders.
Peroxisome biogenesis disorder. Identifiers: Orphanet 79189, MedGen C1832200, MONDO:0019234. Disease mechanism: loss of function.

gnomAD v4.1: 1 of 1,613,670 alleles (0.000062%); highest among the groups gnomAD compares: Admixed American, 0.0017%; no homozygotes.

Submissions (4):

PreventionGenetics, part of Exact Sciences
Classification: Uncertain significance for PEX6-related condition. Last evaluated: 2024-11-22. Review status: criteria provided, single submitter. Criteria: ACMG Guidelines, 2015. Collection method: clinical testing. Allele origin: germline.
Comment: The PEX6 c.2196C>G variant is predicted to result in the amino acid substitution p.Ser732Arg. To our knowledge, this variant has not been reported in the literature or in a large population database (gnomAD), indicating this variant is rare. At this time, the clinical significance of this variant is uncertain due to the absence of conclusive functional and genetic evidence.

Blueprint Genetics
Classification: Uncertain significance. Last evaluated: 2022-11-02. Review status: criteria provided, single submitter. Criteria: ACMG Guidelines, 2015. Collection method: clinical testing. Allele origin: germline.

Labcorp Genetics (formerly Invitae), Labcorp
Classification: Uncertain significance for Peroxisome biogenesis disorder. Last evaluated: 2022-09-14. Review status: criteria provided, single submitter. Criteria: Invitae Variant Classification Sherloc (09022015). Collection method: clinical testing. Allele origin: germline.
Comment: This sequence change replaces serine, which is neutral and polar, with arginine, which is basic and polar, at codon 732 of the PEX6 protein (p.Ser732Arg). This variant is not present in population databases (gnomAD no frequency). This variant has not been reported in the literature in individuals affected with PEX6-related conditions. ClinVar contains an entry for this variant (Variation ID: 1354836). Advanced modeling of protein sequence and biophysical properties (such as structural, functional, and spatial information, amino acid conservation, physicochemical variation, residue mobility, and thermodynamic stability) performed at Invitae indicates that this missense variant is not expected to disrupt PEX6 protein function. In summary, the available evidence is currently insufficient to determine the role of this variant in disease. Therefore, it has been classified as a Variant of Uncertain Significance.

GeneDx
Classification: Uncertain significance. Last evaluated: 2022-08-23. Review status: criteria provided, single submitter. Criteria: GeneDx Variant Classification Process June 2021. Collection method: clinical testing. Allele origin: germline. Affected: yes.
Comment: Not observed at significant frequency in large population cohorts (gnomAD); In silico analysis supports that this missense variant has a deleterious effect on protein structure/function; Has not been previously published as pathogenic or benign to our knowledge